The following is an entry in ClinVar:

ClinVar aggregate classification (germline): Uncertain significance. Review status: criteria provided, multiple submitters, no conflicts (2 of 4 stars). 2 submissions from 2 submitters: Uncertain significance (2). Last evaluated 2023-07-17.

Conditions:
Inborn genetic diseases. Identifiers: MedGen C0950123, MeSH D030342.

Allele frequency attached by ClinVar (database versions not stated): gnomAD 0.00001 and 0.00002; TOPMed 0.00002; ExAC 0.00004; 1000 Genomes Project 30x 0.00016; 1000 Genomes Project 0.00020.
gnomAD v4.1: 25 of 1,575,492 alleles (0.0016%); highest among the groups gnomAD compares: Middle Eastern, 0.018%; no homozygotes.

Submissions (2):

Labcorp Genetics (formerly Invitae), Labcorp
Classification: Uncertain significance. Last evaluated: 2023-07-17. Review status: criteria provided, single submitter. Criteria: Invitae Variant Classification Sherloc (09022015). Collection method: clinical testing. Allele origin: germline.
Comment: In summary, the available evidence is currently insufficient to determine the role of this variant in disease. Therefore, it has been classified as a Variant of Uncertain Significance. An algorithm developed to predict the effect of missense changes on protein structure and function (PolyPhen-2) suggests that this variant is likely to be disruptive. ClinVar contains an entry for this variant (Variation ID: 1001085). This variant has not been reported in the literature in individuals affected with TUBGCP6-related conditions. The frequency data for this variant in the population databases is considered unreliable, as metrics indicate poor data quality at this position in the gnomAD database. This sequence change replaces arginine, which is basic and polar, with glutamine, which is neutral and polar, at codon 468 of the TUBGCP6 protein (p.Arg468Gln).

Ambry Genetics
Classification: Uncertain significance for Inborn genetic diseases. Last evaluated: 2022-01-04. Review status: criteria provided, single submitter. Criteria: Ambry Variant Classification Scheme 2023. Collection method: clinical testing. Allele origin: germline.

NM_020461.4(TUBGCP6):c.1403G>A (p.Arg468Gln)

Gene: TUBGCP6 (tubulin gamma complex component 6; minus strand). Cytogenetic location: 22q13.33.
Variant type: single nucleotide variant.
Coding change: c.1403G>A on transcript NM_020461.4 (MANE Select); coding-DNA position 1403, G replaced by A.
Protein change: p.Arg468Gln; replaces arginine 468 with glutamine.
Molecular consequence: missense variant.
Genome position (GRCh38, 1-based): chr22:50,227,916, C>T on the plus strand (G>A on the coding strand, the complement: TUBGCP6 is on the minus strand). VCF-style: chr22-50227916-C-T. GRCh37 (hg19) VCF-style: chr22-50666345-C-T.
Other names: c.1403G>A (NM_020461.3); short protein forms R468Q.
Identifiers: ClinVar variation 1001085 (VCV001001085.7), dbSNP rs577356775, ClinGen allele CA10308714.
Genomic context (GRCh38, chr22:50,227,916, plus strand): 5'-CCCACACCGCTCCCGCAAAGTCCCCTGCTCAGCCGCCATGCTGAGGCTCACCTGAGCTGC[C>T]GGCCAAGTTTCTTGAAGAGAAAACCAATGGTGAGGAGGCTCAGGGTGGGCGGAGTGGAAA-3'
Protein context (NP_065194.3, residues 458-478): TIGFLFKKLG[Arg468Gln]QLRYLAELCG